The following is an entry in ClinVar:

NM_000368.5(TSC1):c.807C>T (p.Ala269=)

Gene: TSC1 (TSC complex subunit 1; minus strand). Cytogenetic location: 9q34.13.
Variant type: single nucleotide variant.
Coding change: c.807C>T on transcript NM_000368.5 (MANE Select); coding-DNA position 807, C replaced by T.
Protein change: p.Ala269=; no amino-acid change (alanine 269 retained).
Molecular consequence: synonymous variant. On other transcripts: 5 prime UTR variant (5), non-coding transcript variant (5).
Genome position (GRCh38, 1-based): chr9:132,912,388, G>A on the plus strand (C>T on the coding strand, the complement: TSC1 is on the minus strand). VCF-style: chr9-132912388-G-A. GRCh37 (hg19) VCF-style: chr9-135787775-G-A.
Other names: c.807C>T, p.Ala269= (NM_001162426.2, NM_001406592.1, NM_001406593.1 and 16 more transcripts); c.654C>T, p.Ala218= (NM_001162427.2, NM_001406610.1, NM_001406611.1 and 2 more transcripts); c.444C>T, p.Ala148= (NM_001362177.2, NM_001406614.1, NM_001406615.1 and 10 more transcripts); c.-145C>T (NM_001406626.1, NM_001406627.1, NM_001406628.1); c.-287C>T (NM_001406629.1, NM_001406630.1).
Identifiers: ClinVar variation 1761896 (VCV001761896.8), dbSNP rs766961309, ClinGen allele CA039032.

ClinVar aggregate classification (germline): Benign/Likely benign. Review status: criteria provided, multiple submitters, no conflicts (2 of 4 stars). 3 submissions from 3 submitters: Benign (1); Likely benign (2). Last evaluated 2025-04-08.

Conditions:
Hereditary cancer-predisposing syndrome. Also called: Neoplastic Syndromes, Hereditary; Tumor predisposition; Hereditary neoplastic syndrome; Hereditary Cancer Syndrome. Identifiers: Orphanet 140162, MedGen C0027672, MeSH D009386, MONDO:0015356.
Tuberous sclerosis 1 (TSC1). Identifiers: Orphanet 805, MedGen C1854465, MONDO:0008612, OMIM 191100.

Allele frequency attached by ClinVar (database versions not stated): ExAC 0.00001.

Submissions (3):

Myriad Genetics, Inc.
Classification: Benign for Tuberous sclerosis 1. Last evaluated: 2025-04-08. Review status: criteria provided, single submitter. Criteria: Myriad Autosomal Dominant, Autosomal Recessive and X-Linked Classification Criteria (2023). Collection method: clinical testing. Allele origin: unknown.
Comment: This variant is considered benign. This variant is a silent/synonymous amino acid change and it is not expected to impact splicing.

Labcorp Genetics (formerly Invitae), Labcorp
Classification: Likely benign for Tuberous sclerosis 1. Last evaluated: 2024-08-14. Review status: criteria provided, single submitter. Criteria: Invitae Variant Classification Sherloc (09022015). Collection method: clinical testing. Allele origin: germline.

Ambry Genetics
Classification: Likely benign for Hereditary cancer-predisposing syndrome. Last evaluated: 2022-07-02. Review status: criteria provided, single submitter. Criteria: Ambry Variant Classification Scheme 2023. Collection method: clinical testing. Allele origin: germline.